The following is an entry in ClinVar:

NM_020975.6(RET):c.2392+19T>C

Gene: RET (ret proto-oncogene; plus strand). Cytogenetic location: 10q11.21.
Variant type: single nucleotide variant.
Coding change: c.2392+19T>C on transcript NM_020975.6 (MANE Select); 19 bases into the intron after coding-DNA position 2392, T replaced by C.
Molecular consequence: intron variant.
Genome position (GRCh38, 1-based): chr10:43,118,499, T>C. VCF-style: chr10-43118499-T-C. GRCh37 (hg19) VCF-style: chr10-43613947-T-C.
Other names: c.2392+19T>C (NM_020630.7, NM_001406743.1, NM_001406744.1 and 2 more transcripts); c.2257+19T>C (NM_001406765.1, NM_001406763.1); c.1996+19T>C (NM_001406772.1, NM_001406769.1); c.1954+19T>C (NM_001406773.1, NM_001406771.1); c.1495+19T>C (NM_001406782.1, NM_001406780.1, NM_001406779.1 and 1 more transcripts); c.1360+19T>C (NM_001406787.1); c.1375+19T>C (NM_001406785.1); c.2263+19T>C (NM_001406764.1, NM_001406762.1, NM_001406761.1); and 10 more.
Identifiers: ClinVar variation 548735 (VCV000548735.31), dbSNP rs778745375, ClinGen allele CA038787.

ClinVar aggregate classification (germline): Conflicting classifications of pathogenicity. Review status: criteria provided, conflicting classifications (1 of 4 stars). 9 submissions from 9 submitters: Uncertain significance (1); Benign (1); Likely benign (4). 3 of the submissions do not count toward it. Last evaluated 2025-12-20.

Conditions:
Multiple endocrine neoplasia type 2A. Also called: MULTIPLE ENDOCRINE NEOPLASIA, TYPE IIA; PTC SYNDROME; SIPPLE SYNDROME; MEN 2A; MEN-2A syndrome; Pheochromocytoma and amyloid producing medullary thyroid carcinoma. Identifiers: Orphanet 247698, Orphanet 653, MedGen C0025268, MeSH D018813, MONDO:0008234, OMIM 171400.
Hereditary cancer-predisposing syndrome. Also called: Neoplastic Syndromes, Hereditary; Hereditary Cancer Syndrome; Tumor predisposition; Hereditary neoplastic syndrome. Identifiers: Orphanet 140162, MedGen C0027672, MeSH D009386, MONDO:0015356.
Pheochromocytoma. Also called: MAX-Related Hereditary Paraganglioma-Pheochromocytoma Syndrome. Identifiers: Orphanet 29072, MedGen C0031511, MONDO:0008233, OMIM 171300, HP:0002666.
Familial medullary thyroid carcinoma (MTC). Also called: Thyroid cancer, familial medullary; MTC, familial; Familial Medullary Thyroid Carcinoma (FMTC). Identifiers: Orphanet 653, Orphanet 99361, MedGen C1833921, MONDO:0007958, OMIM 155240.
Multiple endocrine neoplasia type 2B. Also called: Multiple endocrine neoplasia, type 3; MULTIPLE ENDOCRINE NEOPLASIA, TYPE IIB; MUCOSAL NEUROMA SYNDROME; MEN 2B; Multiple Endocrine Neoplasia Type 2B (MEN2B); MEN IIB. Identifiers: Orphanet 247709, Orphanet 653, MedGen C0025269, MeSH D018814, MONDO:0008082, OMIM 162300.
Hirschsprung disease, susceptibility to, 1 (HSCR1). Also called: RET-Related Hirschsprung Disease. Identifiers: Orphanet 388, MedGen C3888239, MONDO:0007723, OMIM 142623.
RET-related disorder. Also called: RET-related disorders; RET-related condition; RET-related disease.
Multiple endocrine neoplasia, type 2 (MEN2). Identifiers: Orphanet 653, MedGen C4048306, MONDO:0019003. Disease mechanism: gain of function.

Allele frequency attached by ClinVar (database versions not stated): gnomAD 0.00003; TOPMed 0.00003; gnomAD exomes 0.00005 and 0.00006.
gnomAD v4.1: 78 of 1,589,430 alleles (0.0049%); highest among the groups gnomAD compares: Middle Eastern, 0.32%; no homozygotes.

Submissions (9):

Labcorp Genetics (formerly Invitae), Labcorp
Classification: Likely benign for Multiple endocrine neoplasia, type 2. Last evaluated: 2025-12-20. Review status: criteria provided, single submitter. Criteria: Invitae Variant Classification Sherloc (09022015). Collection method: clinical testing. Allele origin: germline.

CeGaT Center for Human Genetics Tuebingen
Classification: Likely benign. Last evaluated: 2025-03-01. Review status: criteria provided, single submitter. Criteria: CeGaT Center For Human Genetics Tuebingen Variant Classification Criteria Version 2. Collection method: clinical testing. Allele origin: germline. Affected: yes. Observed: 3 variant alleles.
Comment: RET: BS1

Women's Health and Genetics/Laboratory Corporation of America, LabCorp
Classification: Benign. Last evaluated: 2025-01-09. Review status: criteria provided, single submitter. Criteria: LabCorp Variant Classification Summary - May 2015. Collection method: clinical testing. Allele origin: germline.
Comment: Variant summary: RET c.2392+19T>C alters a nucleotide located at a position not widely known to affect splicing. Consensus agreement among computation tools predict no significant impact on normal splicing. However, these predictions have yet to be confirmed by functional studies. The variant allele was found at a frequency of 5.7e-05 in 246216 control chromosomes. The observed variant frequency is approximately 4 fold of the estimated maximal expected allele frequency for a pathogenic variant in RET causing Multiple Endocrine Neoplasia Type 2/Hirschsprung Disease phenotype (1.5e-05). To our knowledge, no experimental evidence demonstrating an impact on protein function has been reported. ClinVar contains an entry for this variant (Variation ID: 548735). Based on the evidence outlined above, the variant was classified as benign.

Fulgent Genetics
Classification: Likely benign for Hirschsprung disease, susceptibility to, 1; Familial medullary thyroid carcinoma; Multiple endocrine neoplasia type 2B; Pheochromocytoma; Multiple endocrine neoplasia type 2A. Last evaluated: 2024-02-13. Review status: criteria provided, single submitter. Criteria: ACMG Guidelines, 2015. Collection method: clinical testing. Allele origin: germline.

Sema4
Classification: Uncertain significance for Hereditary cancer-predisposing syndrome. Last evaluated: 2021-11-15. Review status: criteria provided, single submitter. Criteria: Sema4 Curation Guidelines. Collection method: curation. Allele origin: germline.
Comment: The RET c.2392+19T>C variant has been reported in 2 individuals with pheochromocytoma and sporadic Hirschsprung disease (PMIDs 18551016, 17108762). This variant was observed in 6/30452 chromosomes in the South Asian population according to the Genome Aggregation Database (PMID: 32461654). This variant has been reported in ClinVar (Variation ID 548735). Experimental studies and predictions by in silico tools are not available, and the functional significance of this variant is currently unknown. Based on the available evidence, the variant was classified as likely pathogenic/variant of uncertain significance.

GeneDx
Classification: Likely benign. Last evaluated: 2018-04-23. Review status: criteria provided, single submitter. Criteria: GeneDx Variant Classification (06012015). Collection method: clinical testing. Allele origin: germline. Affected: yes.
Comment: This variant is considered likely benign or benign based on one or more of the following criteria: it is a conservative change, it occurs at a poorly conserved position in the protein, it is predicted to be benign by multiple in silico algorithms, and/or has population frequency not consistent with disease.

PreventionGenetics, part of Exact Sciences
Classification: Likely benign for RET-related condition. Last evaluated: 2024-08-29. Review status: no assertion criteria provided. Collection method: clinical testing. Allele origin: germline. Not counted in ClinVar's aggregate classification.
Comment: This variant is classified as likely benign based on ACMG/AMP sequence variant interpretation guidelines (Richards et al. 2015 PMID: 25741868, with internal and published modifications).

Counsyl
Classification: Uncertain significance for Multiple endocrine neoplasia type 2A. Last evaluated: 2017-03-15. Review status: flagged submission. Collection method: clinical testing. Allele origin: unknown. Not counted in ClinVar's aggregate classification.
ClinVar note: Reason: Older and outlier claim with insufficient supporting evidence

Department of Pathology and Laboratory Medicine, Sinai Health System
Classification: Likely pathogenic for multiple endocrine neoplasia type 2A. Review status: flagged submission. Criteria: ACMG Guidelines, 2015. Collection method: clinical testing. Allele origin: germline. Not counted in ClinVar's aggregate classification.
ClinVar note: Reason: Outlier claim with insufficient supporting evidence

Literature cited by the submitters: PubMed 17108762 (cited by Women's Health and Genetics/Laboratory Corporation of America, LabCorp); PubMed 18551016 (cited by Women's Health and Genetics/Laboratory Corporation of America, LabCorp and Counsyl).